The following is an entry in ClinVar:

ClinVar aggregate classification (germline): Pathogenic (1 of 4 stars; one submission).

Submission:

CeGaT Center for Human Genetics Tuebingen
Classification: Pathogenic. Last evaluated: 2025-09-01. Review status: criteria provided, single submitter. Criteria: CeGaT Center For Human Genetics Tuebingen Variant Classification Criteria Version 2. Collection method: clinical testing. Allele origin: germline. Affected: yes. Observed: 1 variant allele.
Comment: CACNA1A: PVS1, PM2

NM_001127222.2(CACNA1A):c.3693-5_3703del

Gene: CACNA1A (calcium voltage-gated channel subunit alpha1 A; minus strand). Cytogenetic location: 19p13.13.
Variant type: Deletion.
Coding change: c.3693-5_3703del on transcript NM_001127222.2 (MANE Select); 5 bases into the intron before coding-DNA position 3693 through coding-DNA position 3703, 16 bases deleted (AACAGCCTTCGCCGCC).
Molecular consequence: splice acceptor variant.
Genome position (GRCh38, 1-based): chr19:13,283,386-13,283,401, GGCGGCGAAGGCTGTT deleted on the plus strand (AACAGCCTTCGCCGCC on the coding strand, the reverse complement: CACNA1A is on the minus strand); deleting any 16 consecutive bases within chr19:13,283,386-13,283,403 gives the same sequence; the c. name uses the placement nearest the transcript's 3' end. VCF-style (leftmost placement, unchanged base first): chr19-13283385-AGGCGGCGAAGGCTGTT-A. GRCh37 (hg19) VCF-style: chr19-13394199-AGGCGGCGAAGGCTGTT-A.
Other names: c.3696-5_3706del (NM_001127221.2, NM_001174080.2); c.3705-5_3715del (NM_000068.4, NM_023035.3).
Identifiers: ClinVar variation 4281283 (VCV004281283.7).